The following is an entry in ClinVar:

NM_199420.4(POLQ):c.2218A>G (p.Lys740Glu)

Gene: POLQ (DNA polymerase theta; minus strand). Cytogenetic location: 3q13.33.
Variant type: single nucleotide variant.
Coding change: c.2218A>G on transcript NM_199420.4 (MANE Select); coding-DNA position 2218, A replaced by G.
Protein change: p.Lys740Glu; replaces lysine 740 with glutamic acid.
Molecular consequence: missense variant.
Genome position (GRCh38, 1-based): chr3:121,496,868, T>C on the plus strand (A>G on the coding strand, the complement: POLQ is on the minus strand). VCF-style: chr3-121496868-T-C. GRCh37 (hg19) VCF-style: chr3-121215715-T-C.
Other names: short protein forms K740E.
Identifiers: ClinVar variation 1787859 (VCV001787859.2), dbSNP rs2546793678, ClinGen allele CA354109083.

ClinVar aggregate classification (germline): Uncertain significance (1 of 4 stars; one submission).

Allele frequency attached by ClinVar (database versions not stated): gnomAD exomes below 0.00001.
gnomAD v4.1: 1 of 1,613,892 alleles (0.000062%); highest among the groups gnomAD compares: Non-Finnish European, 0.000085%; no homozygotes.

Submission:

Ambry Genetics
Classification: Uncertain significance. Last evaluated: 2022-09-26. Review status: criteria provided, single submitter. Criteria: Ambry Variant Classification Scheme 2023. Collection method: clinical testing. Allele origin: germline.
Comment: The p.K740E variant (also known as c.2218A>G), located in coding exon 14 of the POLQ gene, results from an A to G substitution at nucleotide position 2218. The lysine at codon 740 is replaced by glutamic acid, an amino acid with similar properties. This amino acid position is conserved. In addition, the in silico prediction for this alteration is inconclusive. Since supporting evidence is limited at this time, the clinical significance of this alteration remains unclear.